The following is an entry in ClinVar:

ClinVar aggregate classification (germline): Uncertain significance (1 of 4 stars; one submission).

Conditions:
Familial focal epilepsy with variable foci (FPEVF). Identifiers: Orphanet 98820, MedGen C1858477, MONDO:0020310.

Submission:

Labcorp Genetics (formerly Invitae), Labcorp
Classification: Uncertain significance for Familial focal epilepsy with variable foci. Last evaluated: 2022-02-18. Review status: criteria provided, single submitter. Criteria: Invitae Variant Classification Sherloc (09022015). Collection method: clinical testing. Allele origin: germline.
Comment: This sequence change falls in intron 3 of the DEPDC5 gene. It does not directly change the encoded amino acid sequence of the DEPDC5 protein. It affects a nucleotide within the consensus splice site. This variant is not present in population databases (gnomAD no frequency). This variant has not been reported in the literature in individuals affected with DEPDC5-related conditions. Variants that disrupt the consensus splice site are a relatively common cause of aberrant splicing (PMID: 17576681, 9536098). Algorithms developed to predict the effect of sequence changes on RNA splicing suggest that this variant may disrupt the consensus splice site. In summary, the available evidence is currently insufficient to determine the role of this variant in disease. Therefore, it has been classified as a Variant of Uncertain Significance.

Literature cited by the submitters: PubMed 17576681; PubMed 9536098.

NM_001242896.3(DEPDC5):c.147-3C>G

Gene: DEPDC5 (DEP domain containing 5, GATOR1 subcomplex subunit; plus strand). Cytogenetic location: 22q12.2.
Variant type: single nucleotide variant.
Coding change: c.147-3C>G on transcript NM_001242896.3 (MANE Select); 3 bases into the intron before coding-DNA position 147, C replaced by G.
Molecular consequence: intron variant.
Genome position (GRCh38, 1-based): chr22:31,760,653, C>G. VCF-style: chr22-31760653-C-G. GRCh37 (hg19) VCF-style: chr22-32156639-C-G.
Other names: c.147-3C>G (NM_001363852.2, NM_001363854.2, NM_001242897.2 and 9 more transcripts).
Identifiers: ClinVar variation 1425231 (VCV001425231.6), dbSNP rs1398851556, ClinGen allele CA2573158137.